The following is an entry in ClinVar:

NM_001197104.2(KMT2A):c.4895del (p.Pro1632fs)

Gene: KMT2A (lysine methyltransferase 2A; plus strand). Cytogenetic location: 11q23.3.
Variant type: Deletion.
Coding change: c.4895del on transcript NM_001197104.2 (MANE Select); coding-DNA position 4895, one base deleted (C; older notation c.4895delC).
Protein change: p.Pro1632fs; shifts the reading frame from proline 1632.
Molecular consequence: frameshift variant.
Genome position (GRCh38, 1-based): chr11:118,491,819, C deleted; the last of 3 consecutive C bases (chr11:118,491,817-118,491,819); deleting any one gives the same sequence. VCF-style (leftmost placement, unchanged base first): chr11-118491816-AC-A. GRCh37 (hg19) VCF-style: chr11-118362531-AC-A.
Other names: c.4985del, p.Pro1662fs (NM_001412597.1); c.4886del, p.Pro1629fs (NM_005933.4); short protein forms P1629fs, P1632fs, P1662fs.
Identifiers: ClinVar variation 3349928 (VCV003349928.1).

ClinVar aggregate classification (germline): Likely pathogenic (0 of 4 stars; one submission).

Conditions:
KMT2A-related disorder. Also called: KMT2A-related condition.

Submission:

PreventionGenetics, part of Exact Sciences
Classification: Likely pathogenic for KMT2A-related condition. Last evaluated: 2024-04-16. Review status: no assertion criteria provided. Collection method: clinical testing. Allele origin: germline.
Comment: The KMT2A c.4895delC variant is predicted to result in a frameshift and premature protein termination (p.Pro1632Leufs*16). To our knowledge, this variant has not been reported in the literature or in a large population database, indicating this variant is rare. Frameshift variants in KMT2A are expected to be pathogenic. This variant is interpreted as likely pathogenic.